The following is an entry in ClinVar:

NM_201384.3(PLEC):c.11483A>G (p.Tyr3828Cys)

Gene: PLEC (plectin; minus strand). Cytogenetic location: 8q24.3.
Variant type: single nucleotide variant.
Coding change: c.11483A>G on transcript NM_201384.3 (MANE Select); coding-DNA position 11483, A replaced by G.
Protein change: p.Tyr3828Cys; replaces tyrosine 3828 with cysteine.
Molecular consequence: missense variant.
Genome position (GRCh38, 1-based): chr8:143,918,338, T>C on the plus strand (A>G on the coding strand, the complement: PLEC is on the minus strand). VCF-style: chr8-143918338-T-C. GRCh37 (hg19) VCF-style: chr8-144992506-T-C.
Other names: c.11564A>G (NM_000445.3); c.11564A>G, p.Tyr3855Cys (NM_000445.5); c.8183A>G, p.Tyr2728Cys (NM_001410941.1); c.11441A>G, p.Tyr3814Cys (NM_201378.4); c.11417A>G, p.Tyr3806Cys (NM_201379.3); c.11894A>G, p.Tyr3965Cys (NM_201380.4); c.11387A>G, p.Tyr3796Cys (NM_201381.3); c.11483A>G, p.Tyr3828Cys (NM_201382.4); and 1 more; short protein forms Y2728C, Y3796C, Y3806C, Y3814C, Y3828C, Y3832C, Y3855C, Y3965C.
Identifiers: ClinVar variation 2413219 (VCV002413219.9), dbSNP rs1554674888, ClinGen allele CA372490429.

ClinVar aggregate classification (germline): Uncertain significance. Review status: criteria provided, multiple submitters, no conflicts (2 of 4 stars). 2 submissions from 2 submitters: Uncertain significance (2). Last evaluated 2025-04-22.

Conditions:
Epidermolysis bullosa simplex 5B, with muscular dystrophy (EBS5B). Also called: Epidermolysis bullosa simplex with muscular dystrophy; EPIDERMOLYSIS BULLOSA SIMPLEX AND LIMB-GIRDLE MUSCULAR DYSTROPHY. Identifiers: Orphanet 257, MedGen C2931072, MONDO:0009181, OMIM 226670.
Epidermolysis bullosa simplex 5C, with pyloric atresia (EBS5C). Also called: PLEC-Related Epidermolysis Bullosa with Pyloric Atresia; Epidermolysis bullosa simplex with pyloric atresia; PLEC1-Related Epidermolysis Bullosa with Pyloric Atresia. Identifiers: Orphanet 158684, MedGen C2677349, MONDO:0012807, OMIM 612138.
Autosomal recessive limb-girdle muscular dystrophy type 2Q (LGMDR17). Also called: MUSCULAR DYSTROPHY, LIMB-GIRDLE, AUTOSOMAL RECESSIVE 17. Identifiers: Orphanet 254361, MedGen C3150989, MONDO:0013390, OMIM 613723.
Epidermolysis bullosa simplex with nail dystrophy (EBS5D). Identifiers: MedGen C4225309, MONDO:0014661, OMIM 616487.
Epidermolysis bullosa simplex, Ogna type (EBS5A). Also called: Pidermolysis bullosa simplex 5A, Ogna type; EPIDERMOLYSIS BULLOSA SIMPLEX 5A, OGNA TYPE. Identifiers: Orphanet 79401, MedGen C0432317, MONDO:0007555, OMIM 131950.

Allele frequency attached by ClinVar (database versions not stated): gnomAD exomes below 0.00001.
gnomAD v4.1: 5 of 1,582,700 alleles (0.00032%); highest among the groups gnomAD compares: Admixed American, 0.0017%; no homozygotes.

Submissions (2):

GeneDx
Classification: Uncertain significance. Last evaluated: 2025-04-22. Review status: criteria provided, single submitter. Criteria: GeneDx Variant Classification Process June 2021. Collection method: clinical testing. Allele origin: germline. Affected: yes.
Comment: Not observed at significant frequency in large population cohorts (gnomAD); In silico analysis supports that this missense variant has a deleterious effect on protein structure/function; Missense variant in a gene in which most reported pathogenic variants are truncating/loss of function; Has not been previously published as pathogenic or benign to our knowledge

Labcorp Genetics (formerly Invitae), Labcorp
Classification: Uncertain significance for Autosomal recessive limb-girdle muscular dystrophy type 2Q; Epidermolysis bullosa simplex, Ogna type; Epidermolysis bullosa simplex with nail dystrophy; Epidermolysis bullosa simplex 5C, with pyloric atresia; Epidermolysis bullosa simplex 5B, with muscular dystrophy. Last evaluated: 2022-08-19. Review status: criteria provided, single submitter. Criteria: Invitae Variant Classification Sherloc (09022015). Collection method: clinical testing. Allele origin: germline.
Comment: The frequency data for this variant in the population databases is considered unreliable, as metrics indicate poor data quality at this position in the gnomAD database. This sequence change replaces tyrosine, which is neutral and polar, with cysteine, which is neutral and slightly polar, at codon 3855 of the PLEC protein (p.Tyr3855Cys). This variant has not been reported in the literature in individuals affected with PLEC-related conditions. In summary, the available evidence is currently insufficient to determine the role of this variant in disease. Therefore, it has been classified as a Variant of Uncertain Significance. Algorithms developed to predict the effect of missense changes on protein structure and function (SIFT, PolyPhen-2, Align-GVGD) all suggest that this variant is likely to be disruptive.